The following is an entry in ClinVar:

ClinVar aggregate classification (germline): Uncertain significance. Review status: criteria provided, multiple submitters, no conflicts (2 of 4 stars). 2 submissions from 2 submitters: Uncertain significance (2). Last evaluated 2024-02-15.

Conditions:
Developmental and epileptic encephalopathy 94 (DEE94). Also called: CHD2-Related Neurodevelopmental Disorders; Epileptic encephalopathy, childhood-onset. Identifiers: Orphanet 1942, Orphanet 2382, MedGen C3809278, MONDO:0014150, OMIM 615369.

gnomAD v4.1: 1 of 1,614,036 alleles (0.000062%); highest among the groups gnomAD compares: African/African-American, 0.0013%; no homozygotes.

Submissions (2):

Labcorp Genetics (formerly Invitae), Labcorp
Classification: Uncertain significance for Developmental and epileptic encephalopathy 94. Last evaluated: 2024-02-15. Review status: criteria provided, single submitter. Criteria: Invitae Variant Classification Sherloc (09022015). Collection method: clinical testing. Allele origin: germline.
Comment: This sequence change replaces serine, which is neutral and polar, with asparagine, which is neutral and polar, at codon 293 of the CHD2 protein (p.Ser293Asn). This variant is not present in population databases (gnomAD no frequency). This variant has not been reported in the literature in individuals affected with CHD2-related conditions. ClinVar contains an entry for this variant (Variation ID: 474399). Advanced modeling of protein sequence and biophysical properties (such as structural, functional, and spatial information, amino acid conservation, physicochemical variation, residue mobility, and thermodynamic stability) performed at Invitae indicates that this missense variant is not expected to disrupt CHD2 protein function with a negative predictive value of 95%. In summary, the available evidence is currently insufficient to determine the role of this variant in disease. Therefore, it has been classified as a Variant of Uncertain Significance.

New York Genome Center
Classification: Uncertain significance for Developmental and epileptic encephalopathy 94. Last evaluated: 2020-01-23. Review status: criteria provided, single submitter. Criteria: NYGC Assertion Criteria 2020. Collection method: clinical testing. Allele origin: inherited. Observed: 1 heterozygote. Study: CSER-NYCKidSeq.
Comment: The c.878G>A (p.Ser293Asn) variant substitutes a highly conserved Serine for Asparagine at amino acid 293/1829 (coding exon 9/39).This variant is absent from gnomAD suggesting it is not a common benign variant in the populations represented in this database. In silicoalgorithms predict this variant to be Neutral (Provean; score: 2.83) and Tolerated (SIFT; score: 1.000) to the function of the canonical transcript. This variant is reported as a Variant of Uncertain Significance in ClinVar (VarID: 474399), and to our current knowledge has not been reported in affected individuals in the literature. The p.Ser293 residue is within the first Chromodomainof CHD2 which is thought to be involved in chromatin remodeling activity [PMID: 25384982]. Given the lack of compelling evidence for its pathogenicity, the c.878G>A (p.Ser293Asn) variant is reported here as a Variant of Uncertain Significance.

NM_001271.4(CHD2):c.878G>A (p.Ser293Asn)

Gene: CHD2 (chromodomain helicase DNA binding protein 2; plus strand). Cytogenetic location: 15q26.1.
Variant type: single nucleotide variant.
Coding change: c.878G>A on transcript NM_001271.4 (MANE Select); coding-DNA position 878, G replaced by A.
Protein change: p.Ser293Asn; replaces serine 293 with asparagine.
Molecular consequence: missense variant.
Genome position (GRCh38, 1-based): chr15:92,942,894, G>A. VCF-style: chr15-92942894-G-A. GRCh37 (hg19) VCF-style: chr15-93486124-G-A.
Other names: c.878G>A, p.Ser293Asn (NM_001042572.3); short protein forms S293N.
Identifiers: ClinVar variation 474399 (VCV000474399.12), dbSNP rs1555439526, ClinGen allele CA393901518.